The following is an entry in ClinVar:

NM_001371986.1(UNC80):c.2764C>T (p.Pro922Ser)

Gene: UNC80 (unc-80 subunit of NALCN channel complex; plus strand). Cytogenetic location: 2q34.
Variant type: single nucleotide variant.
Coding change: c.2764C>T on transcript NM_001371986.1 (MANE Select); coding-DNA position 2764, C replaced by T.
Protein change: p.Pro922Ser; replaces proline 922 with serine.
Molecular consequence: missense variant.
Genome position (GRCh38, 1-based): chr2:209,831,580, C>T. VCF-style: chr2-209831580-C-T. GRCh37 (hg19) VCF-style: chr2-210696304-C-T.
Other names: c.2764C>T (NM_032504.1); c.2764C>T, p.Pro922Ser (NM_032504.2); c.2749C>T, p.Pro917Ser (NM_182587.4); short protein forms P917S, P922S.
Identifiers: ClinVar variation 1921425 (VCV001921425.7), dbSNP rs545458057, ClinGen allele CA2083047.

ClinVar aggregate classification (germline): Uncertain significance. Review status: criteria provided, multiple submitters, no conflicts (2 of 4 stars). 3 submissions from 3 submitters: Uncertain significance (3). Last evaluated 2023-08-09.

Conditions:
Inborn genetic diseases. Identifiers: MedGen C0950123, MeSH D030342.

Allele frequency attached by ClinVar (database versions not stated): TOPMed 0.00001; gnomAD 0.00003; gnomAD exomes 0.00004; ExAC 0.00018.
gnomAD v4.1: 60 of 1,542,926 alleles (0.0039%); highest among the groups gnomAD compares: South Asian, 0.067%; 1 homozygote.

Submissions (3):

Labcorp Genetics (formerly Invitae), Labcorp
Classification: Uncertain significance. Last evaluated: 2023-08-09. Review status: criteria provided, single submitter. Criteria: Invitae Variant Classification Sherloc (09022015). Collection method: clinical testing. Allele origin: germline.
Comment: In summary, the available evidence is currently insufficient to determine the role of this variant in disease. Therefore, it has been classified as a Variant of Uncertain Significance. Algorithms developed to predict the effect of missense changes on protein structure and function output the following: SIFT: "Not Available"; PolyPhen-2: "Benign"; Align-GVGD: "Not Available". The serine amino acid residue is found in multiple mammalian species, which suggests that this missense change does not adversely affect protein function. This variant has not been reported in the literature in individuals affected with UNC80-related conditions. This variant is present in population databases (rs545458057, gnomAD 0.06%). This sequence change replaces proline, which is neutral and non-polar, with serine, which is neutral and polar, at codon 922 of the UNC80 protein (p.Pro922Ser).

Ambry Genetics
Classification: Uncertain significance for Inborn genetic diseases. Last evaluated: 2023-05-03. Review status: criteria provided, single submitter. Criteria: Ambry Variant Classification Scheme 2023. Collection method: clinical testing. Allele origin: germline.

Blueprint Genetics
Classification: Uncertain significance. Last evaluated: 2022-01-14. Review status: criteria provided, single submitter. Criteria: ACMG Guidelines, 2015. Collection method: clinical testing. Allele origin: germline.